The following is an entry in ClinVar:

ClinVar aggregate classification (germline): Likely benign. Review status: criteria provided, single submitter (1 of 4 stars). 2 submissions from 2 submitters: Likely benign (1). 1 of the submissions does not count toward it. Last evaluated 2024-11-25.

Conditions:
CACNA1G-related disorder. Also called: CACNA1G-related disorders; CACNA1G-related condition.

Allele frequency attached by ClinVar (database versions not stated): ExAC 0.00017; gnomAD exomes 0.00014; ESP Exome Variant Server 0.00065; gnomAD 0.00071 and 0.00078; 1000 Genomes Project 30x 0.00078; TOPMed 0.00079; 1000 Genomes Project 0.00080.
gnomAD v4.1: 188 of 1,613,358 alleles (0.012%); highest among the groups gnomAD compares: African/African-American, 0.22%; no homozygotes.

Submissions (2):

Labcorp Genetics (formerly Invitae), Labcorp
Classification: Likely benign. Last evaluated: 2024-11-25. Review status: criteria provided, single submitter. Criteria: Invitae Variant Classification Sherloc (09022015). Collection method: clinical testing. Allele origin: germline.

PreventionGenetics, part of Exact Sciences
Classification: Likely benign for CACNA1G-related condition. Last evaluated: 2019-06-11. Review status: no assertion criteria provided. Collection method: clinical testing. Allele origin: germline. Not counted in ClinVar's aggregate classification.
Comment: This variant is classified as likely benign based on ACMG/AMP sequence variant interpretation guidelines (Richards et al. 2015 PMID: 25741868, with internal and published modifications).

NM_018896.5(CACNA1G):c.2144G>T (p.Ser715Ile)

Gene: CACNA1G (calcium voltage-gated channel subunit alpha1 G; plus strand). Cytogenetic location: 17q21.33.
Variant type: single nucleotide variant.
Coding change: c.2144G>T on transcript NM_018896.5 (MANE Select); coding-DNA position 2144, G replaced by T.
Protein change: p.Ser715Ile; replaces serine 715 with isoleucine.
Molecular consequence: missense variant. On other transcripts: non-coding transcript variant (5).
Genome position (GRCh38, 1-based): chr17:50,578,407, G>T. VCF-style: chr17-50578407-G-T. GRCh37 (hg19) VCF-style: chr17-48655768-G-T.
Other names: c.2144G>T, p.Ser715Ile (NM_001256324.2, NM_001256325.2, NM_001256326.2 and 24 more transcripts); short protein forms S715I.
Identifiers: ClinVar variation 741416 (VCV000741416.8), dbSNP rs181244511, ClinGen allele CA8652347.